The following is an entry in ClinVar:

ClinVar aggregate classification (germline): Pathogenic (1 of 4 stars; one submission).

Conditions:
Mucopolysaccharidosis, MPS-III-A (MPS3A). Also called: HEPARAN SULFATE SULFATASE DEFICIENCY; SANFILIPPO SYNDROME A; SULFAMIDASE DEFICIENCY; MPS III A; MPS IIIA (Sanfilippo Syndrome Type A); Mucopolysaccharidosis type IIIA (Sanfilippo A). Identifiers: Orphanet 581, Orphanet 79269, MedGen C0086647, MONDO:0009655, OMIM 252900.

Submission:

Labcorp Genetics (formerly Invitae), Labcorp
Classification: Pathogenic for Mucopolysaccharidosis, MPS-III-A. Last evaluated: 2021-02-23. Review status: criteria provided, single submitter. Criteria: Invitae Variant Classification Sherloc (09022015). Collection method: clinical testing. Allele origin: germline.
Comment: This sequence change creates a premature translational stop signal (p.Glu140*) in the SGSH gene. It is expected to result in an absent or disrupted protein product. Loss-of-function variants in SGSH are known to be pathogenic (PMID: 11182930, 21204211, 22976768). This variant is not present in population databases (ExAC no frequency). This variant has not been reported in the literature in individuals with SGSH-related conditions. Algorithms developed to predict the effect of sequence changes on RNA splicing suggest that this variant may create or strengthen a splice site, but this prediction has not been confirmed by published transcriptional studies. For these reasons, this variant has been classified as Pathogenic.

Literature cited by the submitters: PubMed 11182930; PubMed 21204211; PubMed 22976768.

NM_000199.5(SGSH):c.418G>T (p.Glu140Ter)

Gene: SGSH (N-sulfoglucosamine sulfohydrolase; minus strand). Cytogenetic location: 17q25.3.
Variant type: single nucleotide variant.
Coding change: c.418G>T on transcript NM_000199.5 (MANE Select); coding-DNA position 418, G replaced by T.
Protein change: p.Glu140Ter; replaces glutamic acid 140 with a stop codon.
Molecular consequence: nonsense. On other transcripts: non-coding transcript variant (1).
Genome position (GRCh38, 1-based): chr17:80,214,703, C>A on the plus strand (G>T on the coding strand, the complement: SGSH is on the minus strand). VCF-style: chr17-80214703-C-A. GRCh37 (hg19) VCF-style: chr17-78188502-C-A.
Other names: c.418G>T, p.Glu140Ter (NM_001352921.3, NM_001352922.2); short protein forms E140*.
Identifiers: ClinVar variation 1456247 (VCV001456247.6), dbSNP rs2144749282, ClinGen allele CA401362920.
Genomic context (GRCh38, chr17:80,214,703, plus strand): 5'-GGACGAGCAGCTTAATTCTAGTGATGTTCCGCCCCACCTGGAGGACGGAGCCATTCTCCT[C>A]CGTGTACGCAAAGTCAAACGGGTACACGGTCTCCGGCCCCACGTGCTTCTTCCCGATGAT-3'